The following is an entry in ClinVar:

NM_001163435.3(TBCK):c.974T>C (p.Val325Ala)

Gene: TBCK (TBC1 domain containing kinase; minus strand). Cytogenetic location: 4q24.
Variant type: single nucleotide variant.
Coding change: c.974T>C on transcript NM_001163435.3 (MANE Select); coding-DNA position 974, T replaced by C.
Protein change: p.Val325Ala; replaces valine 325 with alanine.
Molecular consequence: missense variant.
Genome position (GRCh38, 1-based): chr4:106,244,722, A>G on the plus strand (T>C on the coding strand, the complement: TBCK is on the minus strand). VCF-style: chr4-106244722-A-G. GRCh37 (hg19) VCF-style: chr4-107165879-A-G.
Other names: c.974T>C, p.Val325Ala (NM_001163436.4); c.857T>C, p.Val286Ala (NM_001163437.3); c.458T>C, p.Val153Ala (NM_001290768.2); c.785T>C, p.Val262Ala (NM_033115.5); c.974T>C (NM_001163435.1); short protein forms V153A, V262A, V286A, V325A.
Identifiers: ClinVar variation 732178 (VCV000732178.33), dbSNP rs145386125, ClinGen allele CA3035225.

ClinVar aggregate classification (germline): Likely benign. Review status: criteria provided, multiple submitters, no conflicts (2 of 4 stars). 6 submissions from 6 submitters: Likely benign (5). 1 of the submissions does not count toward it. Last evaluated 2026-03-01.

Conditions:
Inborn genetic diseases. Identifiers: MedGen C0950123, MeSH D030342.
TBCK-related disorder. Also called: TBCK-related condition; TBCK-related disorders.
Hypotonia, infantile, with psychomotor retardation and characteristic facies 3 (IHPRF3). Also called: TBCK-Related Neurodevelopmental Disorder. Identifiers: Orphanet 488632, MedGen C5567480, MONDO:0014823, OMIM 616900.

Allele frequency attached by ClinVar (database versions not stated): TOPMed 0.00102; gnomAD 0.00103 and 0.00108; gnomAD exomes 0.00106 and 0.00183; ESP Exome Variant Server 0.00131; ExAC 0.00138.
gnomAD v4.1: 1,775 of 1,603,580 alleles (0.11%); highest among the groups gnomAD compares: Middle Eastern, 0.6%; 12 homozygotes.

Submissions (6):

CeGaT Center for Human Genetics Tuebingen
Classification: Likely benign. Last evaluated: 2026-03-01. Review status: criteria provided, single submitter. Criteria: CeGaT Center For Human Genetics Tuebingen Variant Classification Criteria Version 2. Collection method: clinical testing. Allele origin: germline. Affected: yes. Observed: 7 variant alleles.
Comment: TBCK: BS2

Labcorp Genetics (formerly Invitae), Labcorp
Classification: Likely benign. Last evaluated: 2026-02-03. Review status: criteria provided, single submitter. Criteria: Invitae Variant Classification Sherloc (09022015). Collection method: clinical testing. Allele origin: germline.

Blueprint Genetics
Classification: Likely benign. Last evaluated: 2024-11-26. Review status: criteria provided, single submitter. Criteria: ACMG Guidelines, 2015. Collection method: clinical testing. Allele origin: germline.

Ambry Genetics
Classification: Likely benign for Inborn genetic diseases. Last evaluated: 2021-06-11. Review status: criteria provided, single submitter. Criteria: Ambry Variant Classification Scheme 2023. Collection method: clinical testing. Allele origin: germline.

Breakthrough Genomics
Classification: Likely benign. Review status: criteria provided, single submitter. Criteria: ACMG Guidelines, 2015. Collection method: not provided. Allele origin: germline. Inheritance: Autosomal recessive inheritance. Affected: yes.

PreventionGenetics, part of Exact Sciences
Classification: Benign for TBCK-related condition. Last evaluated: 2019-07-29. Review status: no assertion criteria provided. Collection method: clinical testing. Allele origin: germline. Not counted in ClinVar's aggregate classification.
Comment: This variant is classified as benign based on ACMG/AMP sequence variant interpretation guidelines (Richards et al. 2015 PMID: 25741868, with internal and published modifications).